The following is an entry in ClinVar:

ClinVar aggregate classification (germline): Pathogenic (1 of 4 stars; one submission).

Conditions:
Severe combined immunodeficiency due to CORO1A deficiency. Also called: IMMUNODEFICIENCY 8 WITH LYMPHOPROLIFERATION; Immunodeficiency 8. Identifiers: Orphanet 228003, MedGen C3809383, MONDO:0014168, OMIM 615401.

Submission:

Labcorp Genetics (formerly Invitae), Labcorp
Classification: Pathogenic for Severe combined immunodeficiency due to CORO1A deficiency. Last evaluated: 2017-10-14. Review status: criteria provided, single submitter. Criteria: Invitae Variant Classification Sherloc (09022015). Collection method: clinical testing. Allele origin: germline.
Comment: A gross deletion of the genomic region encompassing the full coding sequence of the CORO1A gene has been identified. The boundaries of this event are unknown as the deletion extends beyond the assayed region for this gene and therefore may encompass additional genes. This variant is not present in population databases (ExAC no frequency). This variant has been observed on the opposite chromosome (in trans) from a pathogenic variant in an individual affected with severe combined immunodeficiency (SCID) (PMID: 18836449). This finding is consistent with autosomal recessive inheritance, and suggests that this variant contributes to disease. Loss-of-function variants in CORO1A are known to be pathogenic (PMID: 18836449, 25073507). For these reasons, this variant has been classified as Pathogenic.

Literature cited by the submitters: PubMed 18836449.

NC_000016.10:g.(?_30066878)_(30188596_?)del

Genes: MAPK3 (mitogen-activated protein kinase 3; minus strand), PPP4C (protein phosphatase 4 catalytic subunit; plus strand), TBX6 (T-box transcription factor 6; minus strand), YPEL3 (yippee like 3; minus strand), YPEL3-DT (YPEL3 divergent transcript; plus strand) and 19 more. Cytogenetic location: 16p11.2.
Variant type: Deletion.
Identifiers: ClinVar variation 541425 (VCV000541425.1).